The following is an entry in ClinVar:

ClinVar aggregate classification (germline): Pathogenic. Review status: criteria provided, multiple submitters, no conflicts (2 of 4 stars). 3 submissions from 3 submitters: Pathogenic (3). Last evaluated 2026-01-13.

Conditions:
Hereditary cancer-predisposing syndrome. Also called: Neoplastic Syndromes, Hereditary; Tumor predisposition; Hereditary Cancer Syndrome; Hereditary neoplastic syndrome. Identifiers: Orphanet 140162, MedGen C0027672, MeSH D009386, MONDO:0015356.
Birt-Hogg-Dube syndrome 1 (BHD1). Also called: FIBROFOLLICULOMAS WITH TRICHODISCOMAS AND ACROCHORDONS. Identifiers: Orphanet 122, MedGen CN375946, MONDO:0800445, OMIM 135150.

Submissions (3):

Ambry Genetics
Classification: Pathogenic for Hereditary cancer-predisposing syndrome. Last evaluated: 2026-01-13. Review status: criteria provided, single submitter. Criteria: Ambry Variant Classification Scheme 2023. Collection method: clinical testing. Allele origin: germline.
Comment: The c.995_998delTCTC pathogenic mutation, located in coding exon 6 of the FLCN gene, results from a deletion of 4 nucleotides at nucleotide positions 995 to 998, causing a translational frameshift with a predicted alternate stop codon (p.L332Qfs*20). This variant was reported in individual(s) with features consistent with Birt-Hogg-Dube syndrome (Furuya M et al. J Clin Pathol, 2013 Mar;66:178-86; Furuya M et al. Clin Genet, 2016 Nov;90:403-412; Sattler EC et al. Eur J Cancer, 2021 Jul;151:168-174). This variant is considered to be rare based on population cohorts in the Genome Aggregation Database (gnomAD). This alteration is expected to result in loss of function by premature protein truncation or nonsense-mediated mRNA decay. As such, this alteration is interpreted as a disease-causing mutation.

CeGaT Center for Human Genetics Tuebingen
Classification: Pathogenic. Last evaluated: 2025-06-01. Review status: criteria provided, single submitter. Criteria: CeGaT Center For Human Genetics Tuebingen Variant Classification Criteria Version 2. Collection method: clinical testing. Allele origin: germline. Affected: yes. Observed: 1 variant allele.
Comment: FLCN: PVS1, PM2, PS4:Moderate

Institute of Human Genetics, University of Leipzig Medical Center
Classification: Pathogenic for Birt-Hogg-Dube syndrome 1. Last evaluated: 2025-05-22. Review status: criteria provided, single submitter. Criteria: ACMG Guidelines, 2015. Collection method: clinical testing. Allele origin: paternal. Inheritance: Autosomal dominant inheritance. Affected: yes.
Comment: Criteria applied: PVS1,PM2,PS4_SUP

Literature cited by the submitters: PubMed 23223565 (cited by Ambry Genetics); PubMed 27220747 (cited by Ambry Genetics); PubMed 34000505 (cited by Ambry Genetics).

NM_144997.7(FLCN):c.995_998del (p.Leu332fs)

Gene: FLCN (folliculin; minus strand). Cytogenetic location: 17p11.2.
Variant type: Microsatellite.
Coding change: c.995_998del on transcript NM_144997.7 (MANE Select); coding-DNA positions 995 to 998, 4 bases deleted (TCTC; older notation c.995_998delTCTC).
Protein change: p.Leu332fs; shifts the reading frame from leucine 332.
Molecular consequence: frameshift variant.
Genome position (GRCh38, 1-based): chr17:17,219,083-17,219,086, GAGA deleted on the plus strand (TCTC on the coding strand, the reverse complement: FLCN is on the minus strand); deleting any 4 consecutive bases within chr17:17,219,083-17,219,091 gives the same sequence; the c. name uses the placement nearest the transcript's 3' end. VCF-style (leftmost placement, unchanged base first): chr17-17219082-TGAGA-T. GRCh37 (hg19) VCF-style: chr17-17122396-TGAGA-T.
Other names: c.995_998delTCTC (NM_144997.5); c.1049_1052del, p.Leu350fs (NM_001353229.2); c.995_998del, p.Leu332fs (NM_001353230.2, NM_001353231.2); short protein forms L332fs, L350fs.
Identifiers: ClinVar variation 3901181 (VCV003901181.11).